The following is an entry in ClinVar:

ClinVar aggregate classification (germline): Uncertain significance (0 of 4 stars; one submission).

Conditions:
MRAP2-related disorder. Also called: MRAP2-related condition.

gnomAD v4.1: 70 of 1,614,076 alleles (0.0043%); highest among the groups gnomAD compares: South Asian, 0.065%; 3 homozygotes.

Submission:

PreventionGenetics, part of Exact Sciences
Classification: Uncertain significance for MRAP2-related condition. Last evaluated: 2024-08-26. Review status: no assertion criteria provided. Collection method: clinical testing. Allele origin: germline.
Comment: The MRAP2 c.343C>G variant is predicted to result in the amino acid substitution p.Leu115Val. This variant was reported in an individual with severe, early-onset obesity and an individual reported to have undergone gastric restriction surgery; however, further clinical or functional data was not provided to assess the pathogenicity of this variant (Asai et al 2013. PubMed ID: 23869016; AbouHashem et al. 2021. PubMed ID: 35026759). In a different study, this variant was found in an individual with normal BMI (Liu et al. 2013. PubMed ID: 24011068). This variant is reported in 0.075% of alleles in individuals of South Asian descent in gnomAD, including one homozygous individual. At this time, the clinical significance of this variant is uncertain due to the absence of conclusive functional and genetic evidence.

NM_138409.4(MRAP2):c.343C>G (p.Leu115Val)

Gene: MRAP2 (melanocortin 2 receptor accessory protein 2; plus strand). Cytogenetic location: 6q14.2.
Variant type: single nucleotide variant.
Coding change: c.343C>G on transcript NM_138409.4 (MANE Select); coding-DNA position 343, C replaced by G.
Protein change: p.Leu115Val; replaces leucine 115 with valine.
Molecular consequence: missense variant.
Genome position (GRCh38, 1-based): chr6:84,089,206, C>G. VCF-style: chr6-84089206-C-G. GRCh37 (hg19) VCF-style: chr6-84798925-C-G.
Other names: c.85C>G, p.Leu29Val (NM_001346541.2); c.343C>G, p.Leu115Val (NM_001346542.2, NM_001346544.2); c.178C>G, p.Leu60Val (NM_001346543.2); short protein forms L115V, L29V, L60V.
Identifiers: ClinVar variation 3352543 (VCV003352543.1).
Genomic context (GRCh38, chr6:84,089,206, plus strand): 5'-GGAAGACCTCTGGAGCCAGATAAAGTATTTTCTCGCCAAGGCAACGAGGAGTCCAGGTCT[C>G]TCTTTCACTGCTACATCAATGAGGTGGAACGCTTGGACAGAGCCAAAGCTTGTCACCAGA-3'
Protein context (NP_612418.2, residues 105-125): SRQGNEESRS[Leu115Val]FHCYINEVER